The following is an entry in ClinVar:

ClinVar aggregate classification (germline): Pathogenic/Likely pathogenic. Review status: criteria provided, multiple submitters, no conflicts (2 of 4 stars). 3 submissions from 3 submitters: Pathogenic (2); Likely pathogenic (1). Last evaluated 2025-12-11.

Conditions:
Familial long QT syndrome (RWS). Also called: VENTRICULAR FIBRILLATION WITH PROLONGED QT INTERVAL; Romano-Ward syndrome; Congenital long QT syndrome. Identifiers: Orphanet 768, MedGen C1141890, MONDO:0019171.
Long QT syndrome 1 (LQT1). Identifiers: Orphanet 101016, Orphanet 768, MedGen C4551647, MONDO:0100316, OMIM 192500, MONDO:0008646.

Submissions (3):

Clinical Genetics Laboratory, University Hospital Schleswig-Holstein
Classification: Pathogenic for Long QT syndrome 1. Last evaluated: 2025-12-11. Review status: criteria provided, single submitter. Criteria: ACMG Guidelines, 2015. Collection method: clinical testing. Allele origin: germline. Observed: 2 heterozygotes.
Comment: ACMG criteria applied: PM2, PS4_Moderate, PVS1

Laboratory for Molecular Medicine, Mass General Brigham Personalized Medicine
Classification: Likely pathogenic for Familial long QT syndrome. Last evaluated: 2018-10-19. Review status: criteria provided, single submitter. Criteria: LMM Criteria. Collection method: clinical testing. Allele origin: germline. Inheritance: Autosomal dominant inheritance. Observed: 1 variant allele.
Comment: The p.Glu508X variant in KCNQ1 has not been previously reported in individuals w ith long QT syndrome (LQTS), but has been reported by other clinical laboratorie s in ClinVar (Variation ID: 200850). This variant was absent from large populati on studies. This nonsense variant leads to a premature termination codon at posi tion 508, which is predicted to lead to a truncated or absent protein. Heterozyg ous loss-of-function variants in KCNQ1 are known to cause autosomal dominant lon g QT syndrome (also known as Romano-Ward syndrome). In the compound heterozygous or homozygous state, these variants are associated with autosomal recessive Jer vell and Lange-Nielsen syndrome (JLNS). In summary, although additional studies are required to fully establish its clinical significance, the p.Glu508X variant is likely pathogenic for autosomal dominant LQTS based upon the predicted impa ct to the protein and its absence from the general population. ACMG/AMP criteria applied: PVS1, PM2.

GeneDx
Classification: Pathogenic. Last evaluated: 2012-05-11. Review status: criteria provided, single submitter. Criteria: GeneDx Variant Classification (06012015). Collection method: clinical testing. Allele origin: germline. Affected: yes.
Comment: p.Glu508Stop (GAA>TAA): c.1522 G>T in exon 12 of the KCNQ1 gene (NM_000218.2). The Glu508Stop mutation in the KCNQ1 gene has not been reported previously as a disease-causing mutation or as a benign polymorphism, to our knowledge. Glu508Stop is predicted to cause loss of normal protein function either due to a prematurely truncated protein or absent protein product due to nonsense mediated mRNA decay. Other nonsense mutations in the KCNQ1 gene (Gln505Stop, Gln530Stop) have been reported in association with arrythmias. In summary, Glu508Stop in the KCNQ1 gene is interpreted to be a disease-causing mutation. The variant is found in LQT panel(s).

NM_000218.3(KCNQ1):c.1522G>T (p.Glu508Ter)

Gene: KCNQ1 (potassium voltage-gated channel subfamily Q member 1; plus strand). Cytogenetic location: 11p15.5.
Variant type: single nucleotide variant.
Coding change: c.1522G>T on transcript NM_000218.3 (MANE Select); coding-DNA position 1522, G replaced by T.
Protein change: p.Glu508Ter; replaces glutamic acid 508 with a stop codon.
Molecular consequence: nonsense.
Genome position (GRCh38, 1-based): chr11:2,768,851, G>T. VCF-style: chr11-2768851-G-T. GRCh37 (hg19) VCF-style: chr11-2790081-G-T.
Other names: p.E508*:GAA>TAA; p.Glu508X; c.1426G>T, p.Glu476Ter (NM_001406836.1); c.1252G>T, p.Glu418Ter (NM_001406837.1); c.982G>T, p.Glu328Ter (NM_001406838.1); c.1141G>T, p.Glu381Ter (NM_181798.2); short protein forms E381*, E508*, E418*, E328*, E476*.
Identifiers: ClinVar variation 200850 (VCV000200850.8), dbSNP rs794728530, ClinGen allele CA005847.